The following is an entry in ClinVar:

NM_001378457.1(DMXL2):c.364+8G>A

Gene: DMXL2 (Dmx like 2; minus strand). Cytogenetic location: 15q21.2.
Variant type: single nucleotide variant.
Coding change: c.364+8G>A on transcript NM_001378457.1 (MANE Select); 8 bases into the intron after coding-DNA position 364, G replaced by A.
Molecular consequence: intron variant.
Genome position (GRCh38, 1-based): chr15:51,565,080, C>T on the plus strand (G>A on the coding strand, the complement: DMXL2 is on the minus strand). VCF-style: chr15-51565080-C-T. GRCh37 (hg19) VCF-style: chr15-51857277-C-T.
Other names: c.364+8G>A (NM_001378460.1, NM_001174117.3, NM_015263.5 and 7 more transcripts).
Identifiers: ClinVar variation 730099 (VCV000730099.13), dbSNP rs200029287, ClinGen allele CA7562857.

ClinVar aggregate classification (germline): Benign/Likely benign. Review status: criteria provided, multiple submitters, no conflicts (2 of 4 stars). 3 submissions from 3 submitters: Benign (1); Likely benign (1). 1 of the submissions does not count toward it. Last evaluated 2026-01-12.

Conditions:
DMXL2-related disorder. Also called: DMXL2-related condition.

Allele frequency attached by ClinVar (database versions not stated): gnomAD exomes 0.00013 and 0.00042; ESP Exome Variant Server 0.00015; gnomAD 0.00024 and 0.00029; TOPMed 0.00028; ExAC 0.00080; 1000 Genomes Project 30x 0.00094; 1000 Genomes Project 0.00100.
gnomAD v4.1: 259 of 1,477,372 alleles (0.018%); highest among the groups gnomAD compares: East Asian, 0.43%; no homozygotes.

Submissions (3):

Labcorp Genetics (formerly Invitae), Labcorp
Classification: Benign. Last evaluated: 2026-01-12. Review status: criteria provided, single submitter. Criteria: Invitae Variant Classification Sherloc (09022015). Collection method: clinical testing. Allele origin: germline.

Blueprint Genetics
Classification: Likely benign. Last evaluated: 2024-10-23. Review status: criteria provided, single submitter. Criteria: ACMG Guidelines, 2015. Collection method: clinical testing. Allele origin: germline.

PreventionGenetics, part of Exact Sciences
Classification: Likely benign for DMXL2-related condition. Last evaluated: 2019-11-26. Review status: no assertion criteria provided. Collection method: clinical testing. Allele origin: germline. Not counted in ClinVar's aggregate classification.
Comment: This variant is classified as likely benign based on ACMG/AMP sequence variant interpretation guidelines (Richards et al. 2015 PMID: 25741868, with internal and published modifications).